The following is an entry in ClinVar:

NM_002156.5(HSPD1):c.614A>G (p.Lys205Arg)

Gene: HSPD1 (heat shock protein family D (Hsp60) member 1; minus strand). Cytogenetic location: 2q33.1.
Variant type: single nucleotide variant.
Coding change: c.614A>G on transcript NM_002156.5 (MANE Select); coding-DNA position 614, A replaced by G.
Protein change: p.Lys205Arg; replaces lysine 205 with arginine.
Molecular consequence: missense variant.
Genome position (GRCh38, 1-based): chr2:197,494,243, T>C on the plus strand (A>G on the coding strand, the complement: HSPD1 is on the minus strand). VCF-style: chr2-197494243-T-C. GRCh37 (hg19) VCF-style: chr2-198358967-T-C.
Other names: c.614A>G, p.Lys205Arg (NM_199440.2); short protein forms K205R.
Identifiers: ClinVar variation 3772292 (VCV003772292.13).

ClinVar aggregate classification (germline): Uncertain significance (1 of 4 stars; one submission).

Submission:

CeGaT Center for Human Genetics Tuebingen
Classification: Uncertain significance. Last evaluated: 2025-01-01. Review status: criteria provided, single submitter. Criteria: CeGaT Center For Human Genetics Tuebingen Variant Classification Criteria Version 2. Collection method: clinical testing. Allele origin: germline. Affected: yes. Observed: 1 variant allele.
Comment: HSPD1: PM2